The following is an entry in ClinVar:

NM_001171.6(ABCC6):c.1636-8C>A

Gene: ABCC6 (ATP binding cassette subfamily C member 6; minus strand). Cytogenetic location: 16p13.11.
Variant type: single nucleotide variant.
Coding change: c.1636-8C>A on transcript NM_001171.6 (MANE Select); 8 bases into the intron before coding-DNA position 1636, C replaced by A.
Molecular consequence: intron variant.
Genome position (GRCh38, 1-based): chr16:16,188,982, G>T on the plus strand (C>A on the coding strand, the complement: ABCC6 is on the minus strand). VCF-style: chr16-16188982-G-T. GRCh37 (hg19) VCF-style: chr16-16282839-G-T.
Other names: c.1294-8C>A (NM_001351800.1); c.1636-8C>A (NM_001171.5).
Identifiers: ClinVar variation 1558628 (VCV001558628.10), dbSNP rs766400634, ClinGen allele CA7926215.

ClinVar aggregate classification (germline): Likely benign. Review status: criteria provided, multiple submitters, no conflicts (2 of 4 stars). 3 submissions from 3 submitters: Likely benign (3). Last evaluated 2026-05-19.

Conditions:
ABCC6-related disorder. Also called: ABCC6-related condition.

Allele frequency attached by ClinVar (database versions not stated): ExAC 0.00001; gnomAD 0.00003; TOPMed 0.00004.
gnomAD v4.1: 35 of 1,613,604 alleles (0.0022%); highest among the groups gnomAD compares: Non-Finnish European, 0.0025%; no homozygotes.

Submissions (3):

PreventionGenetics, part of Exact Sciences
Classification: Likely benign for ABCC6-related condition. Last evaluated: 2026-05-19. Review status: criteria provided, single submitter. Criteria: ACMG Guidelines, 2015. Collection method: clinical testing. Allele origin: germline.
Comment: This variant is classified as likely benign based on ACMG/AMP sequence variant interpretation guidelines (Richards et al. 2015 PMID: 25741868, with internal and published modifications).

Labcorp Genetics (formerly Invitae), Labcorp
Classification: Likely benign. Last evaluated: 2025-10-26. Review status: criteria provided, single submitter. Criteria: Invitae Variant Classification Sherloc (09022015). Collection method: clinical testing. Allele origin: germline.

Blueprint Genetics
Classification: Likely benign. Last evaluated: 2024-11-08. Review status: criteria provided, single submitter. Criteria: ACMG Guidelines, 2015. Collection method: clinical testing. Allele origin: germline.